The following is an entry in ClinVar:

NM_000059.4(BRCA2):c.9686C>T (p.Pro3229Leu)

Gene: BRCA2 (BRCA2 DNA repair associated; plus strand). Cytogenetic location: 13q13.1.
Variant type: single nucleotide variant.
Coding change: c.9686C>T on transcript NM_000059.4 (MANE Select); coding-DNA position 9686, C replaced by T.
Protein change: p.Pro3229Leu; replaces proline 3229 with leucine.
Molecular consequence: missense variant.
Genome position (GRCh38, 1-based): chr13:32,398,199, C>T. VCF-style: chr13-32398199-C-T. GRCh37 (hg19) VCF-style: chr13-32972336-C-T.
Other names: short protein forms P3229L.
Identifiers: ClinVar variation 236932 (VCV000236932.9), dbSNP rs878853620, ClinGen allele CA10583154.

ClinVar aggregate classification (germline): Uncertain significance (1 of 4 stars; one submission).

Conditions:
Hereditary breast ovarian cancer syndrome. Also called: BRCA1- and BRCA2-Associated Hereditary Breast and Ovarian Cancer; Hereditary breast and ovarian cancer syndrome; Hereditary breast and ovarian cancer; Hereditary breast and ovarian cancer syndrome (HBOC); Breast and ovarian cancer; Hereditary breast and/or ovarian cancer syndrome. Identifiers: Orphanet 145, MedGen C0677776, MeSH D061325, MONDO:0003582. Disease mechanism: loss of function.

Submission:

Labcorp Genetics (formerly Invitae), Labcorp
Classification: Uncertain significance for Hereditary breast ovarian cancer syndrome. Last evaluated: 2024-05-06. Review status: criteria provided, single submitter. Criteria: Invitae Variant Classification Sherloc (09022015). Collection method: clinical testing. Allele origin: germline.
Comment: This sequence change replaces proline, which is neutral and non-polar, with leucine, which is neutral and non-polar, at codon 3229 of the BRCA2 protein (p.Pro3229Leu). This variant is not present in population databases (gnomAD no frequency). This variant has not been reported in the literature in individuals affected with BRCA2-related conditions. ClinVar contains an entry for this variant (Variation ID: 236932). Advanced modeling of protein sequence and biophysical properties (such as structural, functional, and spatial information, amino acid conservation, physicochemical variation, residue mobility, and thermodynamic stability) performed at Invitae indicates that this missense variant is not expected to disrupt BRCA2 protein function with a negative predictive value of 95%. In summary, the available evidence is currently insufficient to determine the role of this variant in disease. Therefore, it has been classified as a Variant of Uncertain Significance.